The following is an entry in ClinVar:

ClinVar aggregate classification (germline): Pathogenic (1 of 4 stars; one submission).

Conditions:
Bethlem myopathy 1A. Also called: MYOPATHY, BENIGN CONGENITAL, WITH CONTRACTURES; Bethlem myopathy 1; Bethlem Muscular Dystrophy. Identifiers: Orphanet 610, MedGen CN029274, MONDO:0024530, OMIM 158810.

Submission:

Labcorp Genetics (formerly Invitae), Labcorp
Classification: Pathogenic for Bethlem myopathy 1A. Last evaluated: 2023-12-18. Review status: criteria provided, single submitter. Criteria: Invitae Variant Classification Sherloc (09022015). Collection method: clinical testing. Allele origin: unknown.
Comment: This variant is a gross deletion of the genomic region encompassing exon(s) 2-17 of the COL6A2 gene, which includes the initiator codon. This deletion extends beyond the assayed region for this gene and therefore may encompass additional genes. It is expected to result in an absent or disrupted protein product. Loss-of-function variants in COL6A2 are known to be pathogenic (PMID: 19884007, 20976770). A similar copy number variant has been observed in individual(s) with COL6A2-related conditions (Invitae). For these reasons, this variant has been classified as Pathogenic.

Literature cited by the submitters: PubMed 19884007; PubMed 20976770.

NC_000021.8:g.(?_47531391)_(47541057_?)del

Gene: COL6A2 (collagen type VI alpha 2 chain; plus strand). Cytogenetic location: 21q22.3.
Variant type: Deletion.
Identifiers: ClinVar variation 3248167 (VCV003248167.1).